The following is an entry in ClinVar:

ClinVar aggregate classification (germline): Uncertain significance (1 of 4 stars; one submission).

Allele frequency attached by ClinVar (database versions not stated): TOPMed below 0.00001; gnomAD 0.00001.
gnomAD v4.1: 3 of 1,614,028 alleles (0.00019%); highest among the groups gnomAD compares: Admixed American, 0.0033%; no homozygotes.

Submission:

Labcorp Genetics (formerly Invitae), Labcorp
Classification: Uncertain significance. Last evaluated: 2022-04-17. Review status: criteria provided, single submitter. Criteria: Invitae Variant Classification Sherloc (09022015). Collection method: clinical testing. Allele origin: germline.
Comment: This sequence change replaces valine, which is neutral and non-polar, with phenylalanine, which is neutral and non-polar, at codon 134 of the EMC1 protein (p.Val134Phe). This variant is not present in population databases (gnomAD no frequency). Algorithms developed to predict the effect of missense changes on protein structure and function are either unavailable or do not agree on the potential impact of this missense change (SIFT: "Tolerated"; PolyPhen-2: "Probably Damaging"; Align-GVGD: "Class C0"). In summary, the available evidence is currently insufficient to determine the role of this variant in disease. Therefore, it has been classified as a Variant of Uncertain Significance. Algorithms developed to predict the effect of sequence changes on RNA splicing suggest that this variant may create or strengthen a splice site. This variant has not been reported in the literature in individuals affected with EMC1-related conditions.

NM_015047.3(EMC1):c.400G>T (p.Val134Phe)

Gene: EMC1 (ER membrane protein complex subunit 1; minus strand). Cytogenetic location: 1p36.13.
Variant type: single nucleotide variant.
Coding change: c.400G>T on transcript NM_015047.3 (MANE Select); coding-DNA position 400, G replaced by T.
Protein change: p.Val134Phe; replaces valine 134 with phenylalanine.
Molecular consequence: missense variant.
Genome position (GRCh38, 1-based): chr1:19,242,454, C>A on the plus strand (G>T on the coding strand, the complement: EMC1 is on the minus strand). VCF-style: chr1-19242454-C-A. GRCh37 (hg19) VCF-style: chr1-19568948-C-A.
Other names: c.400G>T, p.Val134Phe (NM_001271427.2, NM_001271428.2, NM_001375820.1 and 1 more transcripts); c.334G>T, p.Val112Phe (NM_001271429.2); short protein forms V112F, V134F.
Identifiers: ClinVar variation 2127326 (VCV002127326.4), dbSNP rs1171450971, ClinGen allele CA338770829.